The following is an entry in ClinVar:

NM_000257.4(MYH7):c.2926A>G (p.Lys976Glu)

Gene: MYH7 (myosin heavy chain 7; minus strand). Cytogenetic location: 14q11.2.
Variant type: single nucleotide variant.
Coding change: c.2926A>G on transcript NM_000257.4 (MANE Select); coding-DNA position 2926, A replaced by G.
Protein change: p.Lys976Glu; replaces lysine 976 with glutamic acid.
Molecular consequence: missense variant.
Genome position (GRCh38, 1-based): chr14:23,423,720, T>C on the plus strand (A>G on the coding strand, the complement: MYH7 is on the minus strand). VCF-style: chr14-23423720-T-C. GRCh37 (hg19) VCF-style: chr14-23892929-T-C.
Other names: c.2926A>G (NM_000257.2); short protein forms K976E.
Identifiers: ClinVar variation 1425326 (VCV001425326.9), dbSNP rs2138662747, ClinGen allele CA389046526.

ClinVar aggregate classification (germline): Uncertain significance. Review status: criteria provided, multiple submitters, no conflicts (2 of 4 stars). 2 submissions from 2 submitters: Uncertain significance (2). Last evaluated 2026-01-19.

Conditions:
Hypertrophic cardiomyopathy. Also called: HYPERTROPHIC MYOCARDIOPATHY. Identifiers: Orphanet 217569, MedGen C0007194, MeSH D002312, MONDO:0005045, HP:0001639.

Submissions (2):

Labcorp Genetics (formerly Invitae), Labcorp
Classification: Uncertain significance for Hypertrophic cardiomyopathy. Last evaluated: 2026-01-19. Review status: criteria provided, single submitter. Criteria: Invitae Variant Classification Sherloc (09022015). Collection method: clinical testing. Allele origin: germline.
Comment: This sequence change replaces lysine, which is basic and polar, with glutamic acid, which is acidic and polar, at codon 976 of the MYH7 protein (p.Lys976Glu). This variant is not present in population databases (gnomAD no frequency). This variant has not been reported in the literature in individuals affected with MYH7-related conditions. ClinVar contains an entry for this variant (Variation ID: 1425326). Invitae Evidence Modeling of protein sequence and biophysical properties (such as structural, functional, and spatial information, amino acid conservation, physicochemical variation, residue mobility, and thermodynamic stability) indicates that this missense variant is expected to disrupt MYH7 protein function with a positive predictive value of 95%. In summary, the available evidence is currently insufficient to determine the role of this variant in disease. Therefore, it has been classified as a Variant of Uncertain Significance.

GeneDx
Classification: Uncertain significance. Last evaluated: 2025-06-11. Review status: criteria provided, single submitter. Criteria: GeneDx Variant Classification Process June 2021. Collection method: clinical testing. Allele origin: germline. Affected: yes.
Comment: Not observed at significant frequency in large population cohorts (gnomAD); In silico analysis supports that this missense variant has a deleterious effect on protein structure/function; Has not been previously published as pathogenic or benign to our knowledge